The following is an entry in ClinVar:

ClinVar aggregate classification (germline): Likely benign. Review status: criteria provided, multiple submitters, no conflicts (2 of 4 stars). 2 submissions from 2 submitters: Likely benign (2). Last evaluated 2026-05-14.

Allele frequency attached by ClinVar (database versions not stated): ExAC 0.00017; gnomAD 0.00001; gnomAD exomes 0.00011; TOPMed 0.00003.
gnomAD v4.1: 36 of 1,606,636 alleles (0.0022%); highest among the groups gnomAD compares: East Asian, 0.049%; no homozygotes.

Submissions (2):

Women's Health and Genetics/Laboratory Corporation of America, LabCorp
Classification: Likely benign. Last evaluated: 2026-05-14. Review status: criteria provided, single submitter. Criteria: LabCorp Variant Classification Summary - May 2015. Collection method: clinical testing. Allele origin: germline.
Comment: Variant summary: CCDC88C c.3636-4A>G alters a nucleotide located at a position not widely known to affect splicing. Several computational tools predict a significant impact on normal splicing: Five predict the variant weakens a 3' acceptor site. Four predict the variant creates a cryptic 3' acceptor site that is 3 bp upstream of the canonical site. At least one publication reports experimental evidence that this variant affects mRNA splicing, producing transcripts using the predicted cryptic splice site leading to a 3 bp insertion, in addition to the normal transcript (Chai_2023). The variant allele was found at a frequency of 0.00011 in 235222 control chromosomes, predominantly at a frequency of 0.0015 within the East Asian subpopulation in the gnomAD database. The observed variant frequency within East Asian control individuals in the gnomAD database exceeds the estimated maximal expected allele frequency for disease-causing variants in CCDC88C. c.3636-4A>G has been observed in individuals from an East Asian family affected with Spinocerebellar ataxia type 40 (Chai_2023). This report does not provide unequivocal conclusions about association of the variant with Spinocerebellar ataxia type 40. The following publication has been ascertained in the context of this evaluation (PMID: 37899026). ClinVar contains an entry for this variant (Variation ID: 741792). Based on the evidence outlined above, the variant was classified as likely benign.

Labcorp Genetics (formerly Invitae), Labcorp
Classification: Likely benign. Last evaluated: 2026-01-14. Review status: criteria provided, single submitter. Criteria: Invitae Variant Classification Sherloc (09022015). Collection method: clinical testing. Allele origin: germline.

Literature cited by the submitters: PubMed 37899026 (cited by Women's Health and Genetics/Laboratory Corporation of America, LabCorp).

NM_001080414.4(CCDC88C):c.3636-4A>G

Gene: CCDC88C (coiled-coil and HOOK domain protein 88C; minus strand). Cytogenetic location: 14q32.11.
Variant type: single nucleotide variant.
Coding change: c.3636-4A>G on transcript NM_001080414.4 (MANE Select); 4 bases into the intron before coding-DNA position 3636, A replaced by G.
Molecular consequence: intron variant.
Genome position (GRCh38, 1-based): chr14:91,300,074, T>C on the plus strand (A>G on the coding strand, the complement: CCDC88C is on the minus strand). VCF-style: chr14-91300074-T-C. GRCh37 (hg19) VCF-style: chr14-91766418-T-C.
Identifiers: ClinVar variation 741792 (VCV000741792.7), dbSNP rs777592906, ClinGen allele CA7309254.